The following is an entry in ClinVar:

NM_012268.4(PLD3):c.550+3G>A

Gene: PLD3 (phospholipase D family member 3; plus strand). Cytogenetic location: 19q13.2.
Variant type: single nucleotide variant.
Coding change: c.550+3G>A on transcript NM_012268.4 (MANE Select); 3 bases into the intron after coding-DNA position 550, G replaced by A.
Molecular consequence: intron variant.
Genome position (GRCh38, 1-based): chr19:40,370,031, G>A. VCF-style: chr19-40370031-G-A. GRCh37 (hg19) VCF-style: chr19-40875938-G-A.
Other names: c.550+3G>A (NM_001031696.4, NM_001291311.2).
Identifiers: ClinVar variation 2805762 (VCV002805762.3), dbSNP rs2514756435, ClinGen allele CA2739276767.

ClinVar aggregate classification (germline): Uncertain significance (1 of 4 stars; one submission).

Submission:

Labcorp Genetics (formerly Invitae), Labcorp
Classification: Uncertain significance. Last evaluated: 2024-08-30. Review status: criteria provided, single submitter. Criteria: Invitae Variant Classification Sherloc (09022015). Collection method: clinical testing. Allele origin: germline.
Comment: This sequence change falls in intron 7 of the PLD3 gene. It does not directly change the encoded amino acid sequence of the PLD3 protein. It affects a nucleotide within the consensus splice site. This variant is not present in population databases (gnomAD no frequency). This variant has not been reported in the literature in individuals affected with PLD3-related conditions. Variants that disrupt the consensus splice site are a relatively common cause of aberrant splicing (PMID: 17576681, 9536098). Algorithms developed to predict the effect of sequence changes on RNA splicing suggest that this variant is not likely to affect RNA splicing. In summary, the available evidence is currently insufficient to determine the role of this variant in disease. Therefore, it has been classified as a Variant of Uncertain Significance.

Literature cited by the submitters: PubMed 17576681; PubMed 9536098.